The following is an entry in ClinVar:

ClinVar aggregate classification (germline): Pathogenic/Likely pathogenic. Review status: criteria provided, multiple submitters, no conflicts (2 of 4 stars). 2 submissions from 2 submitters: Pathogenic (1); Likely pathogenic (1). Last evaluated 2024-10-07.

Conditions:
Intellectual developmental disorder, X-linked, syndromic, Siderius type. Also called: Syndromic X-linked intellectual disability Siderius type. Identifiers: Orphanet 85287, MedGen C1846055, MONDO:0010286, OMIM 300263.

Submissions (2):

Laboratorio de Genetica e Diagnostico Molecular, Hospital Israelita Albert Einstein
Classification: Likely pathogenic for Intellectual developmental disorder, X-linked, syndromic, Siderius type. Last evaluated: 2024-10-07. Review status: criteria provided, single submitter. Criteria: ACMG Guidelines, 2015. Collection method: clinical testing. Allele origin: germline. Affected: yes.
Comment: ACMG classification criteria: PVS1 very strong, PM2 supporting

GeneDx
Classification: Pathogenic. Last evaluated: 2022-07-07. Review status: criteria provided, single submitter. Criteria: GeneDx Variant Classification Process June 2021. Collection method: clinical testing. Allele origin: germline. Affected: yes.
Comment: Nonsense variant predicted to result in protein truncation or nonsense mediated decay in a gene for which loss of function is a known mechanism of disease; Not observed at significant frequency in large population cohorts (gnomAD); Has not been previously published as pathogenic or benign to our knowledge

NM_015107.3(PHF8):c.2257C>T (p.Arg753Ter)

Gene: PHF8 (PHD finger protein 8; minus strand). Cytogenetic location: Xp11.22.
Variant type: single nucleotide variant.
Coding change: c.2257C>T on transcript NM_015107.3 (MANE Select); coding-DNA position 2257, C replaced by T.
Protein change: p.Arg753Ter; replaces arginine 753 with a stop codon.
Molecular consequence: nonsense.
Genome position (GRCh38, 1-based): chrX:53,985,100, G>A on the plus strand (C>T on the coding strand, the complement: PHF8 is on the minus strand). VCF-style: chrX-53985100-G-A. GRCh37 (hg19) VCF-style: chrX-54011533-G-A.
Other names: c.2365C>T, p.Arg789Ter (NM_001184896.1); c.1954C>T, p.Arg652Ter (NM_001184897.2); c.2206C>T, p.Arg736Ter (NM_001184898.2); short protein forms R652*, R736*, R753*, R789*.
Identifiers: ClinVar variation 1878824 (VCV001878824.2), dbSNP rs2519516307, ClinGen allele CA413252654.